The following is an entry in ClinVar:

ClinVar aggregate classification (germline): Uncertain significance (1 of 4 stars; one submission).

Conditions:
Autoimmune lymphoproliferative syndrome type 2B. Also called: AUTOIMMUNE LYMPHOPROLIFERATIVE SYNDROME, TYPE IIB. Identifiers: Orphanet 275517, MedGen C1846545, MONDO:0011804, OMIM 607271.

Submission:

Labcorp Genetics (formerly Invitae), Labcorp
Classification: Uncertain significance for Autoimmune lymphoproliferative syndrome type 2B. Last evaluated: 2018-07-28. Review status: criteria provided, single submitter. Criteria: Invitae Variant Classification Sherloc (09022015). Collection method: clinical testing. Allele origin: germline.
Comment: Algorithms developed to predict the effect of missense changes on protein structure and function (SIFT, PolyPhen-2, Align-GVGD) all suggest that this variant is likely to be tolerated, but these predictions have not been confirmed by published functional studies and their clinical significance is uncertain. This sequence change replaces lysine with asparagine at codon 205 of the CASP8 protein (p.Lys205Asn). The lysine residue is weakly conserved and there is a moderate physicochemical difference between lysine and asparagine. This variant is not present in population databases (ExAC no frequency). This variant has not been reported in the literature in individuals with CASP8-related disease. In summary, the available evidence is currently insufficient to determine the role of this variant in disease. Therefore, it has been classified as a Variant of Uncertain Significance.

NM_001372051.1(CASP8):c.519G>C (p.Lys173Asn)

Gene: CASP8 (caspase 8; plus strand). Cytogenetic location: 2q33.1.
Variant type: single nucleotide variant.
Coding change: c.519G>C on transcript NM_001372051.1 (MANE Select); coding-DNA position 519, G replaced by C.
Protein change: p.Lys173Asn; replaces lysine 173 with asparagine.
Molecular consequence: missense variant. On other transcripts: 5 prime UTR variant (11), non-coding transcript variant (22).
Genome position (GRCh38, 1-based): chr2:201,272,745, G>C. VCF-style: chr2-201272745-G-C. GRCh37 (hg19) VCF-style: chr2-202137468-G-C.
Other names: c.519G>C, p.Lys173Asn (NM_001080124.2, NM_001400645.1, NM_001400648.1 and 20 more transcripts); c.696G>C, p.Lys232Asn (NM_001080125.2, NM_001400642.1, NM_001400665.1); c.615G>C, p.Lys205Asn (NM_001228.5); c.210G>C, p.Lys70Asn (NM_001400669.1); c.-14G>C (NM_001400671.1, NM_001400672.1, NM_001400673.1 and 6 more transcripts); c.-195G>C (NM_001400674.1); c.-93G>C (NM_001400680.1); short protein forms K173N, K232N, K205N, K70N.
Identifiers: ClinVar variation 662887 (VCV000662887.9), dbSNP rs1268336616, ClinGen allele CA350289557.